The following is an entry in ClinVar:

NM_000744.7(CHRNA4):c.1212C>T (p.Pro404=)

Gene: CHRNA4 (cholinergic receptor nicotinic alpha 4 subunit; minus strand). Cytogenetic location: 20q13.33.
Variant type: single nucleotide variant.
Coding change: c.1212C>T on transcript NM_000744.7 (MANE Select); coding-DNA position 1212, C replaced by T.
Protein change: p.Pro404=; no amino-acid change (proline 404 retained).
Molecular consequence: synonymous variant. On other transcripts: non-coding transcript variant (1).
Genome position (GRCh38, 1-based): chr20:63,350,199, G>A on the plus strand (C>T on the coding strand, the complement: CHRNA4 is on the minus strand). VCF-style: chr20-63350199-G-A. GRCh37 (hg19) VCF-style: chr20-61981551-G-A.
Other names: c.684C>T, p.Pro228= (NM_001256573.2).
Identifiers: ClinVar variation 377676 (VCV000377676.5), dbSNP rs764760832, ClinGen allele CA9957632.

ClinVar aggregate classification (germline): Likely benign. Review status: criteria provided, multiple submitters, no conflicts (2 of 4 stars). 2 submissions from 2 submitters: Likely benign (2). Last evaluated 2024-05-15.

Conditions:
Familial sleep-related hypermotor epilepsy. Also called: Autosomal Dominant Sleep-Related Hypermotor (Hyperkinetic) Epilepsy. Identifiers: Orphanet 98784, MedGen C3696898, MONDO:0000030.

Allele frequency attached by ClinVar (database versions not stated): gnomAD exomes 0.00001 and below 0.00001; TOPMed 0.00001; ExAC 0.00001; gnomAD 0.00001.
gnomAD v4.1: 8 of 1,600,568 alleles (0.0005%); highest among the groups gnomAD compares: Admixed American, 0.0034%; no homozygotes.

Submissions (2):

Labcorp Genetics (formerly Invitae), Labcorp
Classification: Likely benign. Last evaluated: 2024-05-15. Review status: criteria provided, single submitter. Criteria: Invitae Variant Classification Sherloc (09022015). Collection method: clinical testing. Allele origin: germline.

GeneDx
Classification: Likely benign. Last evaluated: 2016-03-04. Review status: criteria provided, single submitter. Criteria: GeneDx Variant Classification (06012015). Collection method: clinical testing. Allele origin: germline. Affected: yes.
Comment: This variant is considered likely benign or benign based on one or more of the following criteria: it is a conservative change, it occurs at a poorly conserved position in the protein, it is predicted to be benign by multiple in silico algorithms, and/or has population frequency not consistent with disease.